The following is an entry in ClinVar:

NM_000218.3(KCNQ1):c.1251+277A>G

Gene: KCNQ1 (potassium voltage-gated channel subfamily Q member 1; plus strand). Cytogenetic location: 11p15.5.
Variant type: single nucleotide variant.
Coding change: c.1251+277A>G on transcript NM_000218.3 (MANE Select); 277 bases into the intron after coding-DNA position 1251, A replaced by G.
Molecular consequence: intron variant.
Genome position (GRCh38, 1-based): chr11:2,587,969, A>G. VCF-style: chr11-2587969-A-G. GRCh37 (hg19) VCF-style: chr11-2609199-A-G.
Other names: c.981+277A>G (NM_001406837.1); c.1155+277A>G (NM_001406836.1); c.711+277A>G (NM_001406838.1); c.870+277A>G (NM_181798.2).
Identifiers: ClinVar variation 673463 (VCV000673463.3), dbSNP rs12293360, ClinGen allele CA216333511.

ClinVar aggregate classification (germline): Likely benign (1 of 4 stars; one submission).

Allele frequency attached by ClinVar (database versions not stated): gnomAD 0.01485 and 0.01589; TOPMed 0.01654; 1000 Genomes Project 0.01917; 1000 Genomes Project 30x 0.01983.
gnomAD v4.1: 2,252 of 152,206 alleles (1.5%); highest among the groups gnomAD compares: African/African-American, 4.7%; 54 homozygotes.

Submission:

GeneDx
Classification: Likely benign. Last evaluated: 2018-06-16. Review status: criteria provided, single submitter. Criteria: GeneDx Variant Classification (06012015). Collection method: clinical testing. Allele origin: germline. Affected: yes.
Comment: This variant is considered likely benign or benign based on one or more of the following criteria: it is a conservative change, it occurs at a poorly conserved position in the protein, it is predicted to be benign by multiple in silico algorithms, and/or has population frequency not consistent with disease.